The following is an entry in ClinVar:

ClinVar aggregate classification (germline): Benign. Review status: criteria provided, multiple submitters, no conflicts (2 of 4 stars). 4 submissions from 4 submitters: Benign (3). 1 of the submissions does not count toward it. Last evaluated 2026-01-19.

Conditions:
Epidermolysis bullosa simplex, Ogna type (EBS5A). Also called: Pidermolysis bullosa simplex 5A, Ogna type; EPIDERMOLYSIS BULLOSA SIMPLEX 5A, OGNA TYPE. Identifiers: Orphanet 79401, MedGen C0432317, MONDO:0007555, OMIM 131950.
Epidermolysis bullosa simplex 5C, with pyloric atresia (EBS5C). Also called: PLEC-Related Epidermolysis Bullosa with Pyloric Atresia; Epidermolysis bullosa simplex with pyloric atresia; PLEC1-Related Epidermolysis Bullosa with Pyloric Atresia. Identifiers: Orphanet 158684, MedGen C2677349, MONDO:0012807, OMIM 612138.
Autosomal recessive limb-girdle muscular dystrophy type 2Q (LGMDR17). Also called: MUSCULAR DYSTROPHY, LIMB-GIRDLE, AUTOSOMAL RECESSIVE 17. Identifiers: Orphanet 254361, MedGen C3150989, MONDO:0013390, OMIM 613723.
Epidermolysis bullosa simplex 5B, with muscular dystrophy (EBS5B). Also called: Epidermolysis bullosa simplex with muscular dystrophy; EPIDERMOLYSIS BULLOSA SIMPLEX AND LIMB-GIRDLE MUSCULAR DYSTROPHY. Identifiers: Orphanet 257, MedGen C2931072, MONDO:0009181, OMIM 226670.
Epidermolysis bullosa simplex with nail dystrophy (EBS5D). Identifiers: MedGen C4225309, MONDO:0014661, OMIM 616487.
PLEC-related disorder. Also called: PLEC-related disorders; PLEC-related condition.

Allele frequency attached by ClinVar (database versions not stated): gnomAD 0.00010; gnomAD exomes 0.00111 and 0.00226; ExAC 0.00292; 1000 Genomes Project 0.00339; 1000 Genomes Project 30x 0.00344.
gnomAD v4.1: 1,723 of 1,611,176 alleles (0.11%); highest among the groups gnomAD compares: South Asian, 1.8%; 21 homozygotes.

Submissions (4):

Labcorp Genetics (formerly Invitae), Labcorp
Classification: Benign for Autosomal recessive limb-girdle muscular dystrophy type 2Q; Epidermolysis bullosa simplex, Ogna type; Epidermolysis bullosa simplex with nail dystrophy; Epidermolysis bullosa simplex 5C, with pyloric atresia; Epidermolysis bullosa simplex 5B, with muscular dystrophy. Last evaluated: 2026-01-19. Review status: criteria provided, single submitter. Criteria: Invitae Variant Classification Sherloc (09022015). Collection method: clinical testing. Allele origin: germline.

Eurofins Ntd Llc (ga)
Classification: Benign. Last evaluated: 2015-10-06. Review status: criteria provided, single submitter. Criteria: EGL Classification Definitions 2015. Collection method: clinical testing. Allele origin: germline. Observed: 2 variant alleles, 2 heterozygotes.

GeneDx
Classification: Benign. Last evaluated: 2015-03-03. Review status: criteria provided, single submitter. Criteria: GeneDx Variant Classification Process June 2021. Collection method: clinical testing. Allele origin: germline. Affected: yes.

PreventionGenetics, part of Exact Sciences
Classification: Benign for PLEC-related condition. Last evaluated: 2024-01-16. Review status: no assertion criteria provided. Collection method: clinical testing. Allele origin: germline. Not counted in ClinVar's aggregate classification.
Comment: This variant is classified as benign based on ACMG/AMP sequence variant interpretation guidelines (Richards et al. 2015 PMID: 25741868, with internal and published modifications).

NM_201384.3(PLEC):c.1815+10G>A

Gene: PLEC (plectin; minus strand). Cytogenetic location: 8q24.3.
Variant type: single nucleotide variant.
Coding change: c.1815+10G>A on transcript NM_201384.3 (MANE Select); 10 bases into the intron after coding-DNA position 1815, G replaced by A.
Molecular consequence: intron variant.
Genome position (GRCh38, 1-based): chr8:143,932,625, C>T on the plus strand (G>A on the coding strand, the complement: PLEC is on the minus strand). VCF-style: chr8-143932625-C-T. GRCh37 (hg19) VCF-style: chr8-145006793-C-T.
Other names: c.1896+10G>A (NM_000445.5); c.1773+10G>A (NM_201378.4); c.1749+10G>A (NM_201379.3); c.2226+10G>A (NM_201380.4); c.1719+10G>A (NM_201381.3); c.1815+10G>A (NM_201382.4); c.1827+10G>A (NM_201383.3).
Identifiers: ClinVar variation 93034 (VCV000093034.17), dbSNP rs398123396, ClinGen allele CA220863.